The following is an entry in ClinVar:

NM_000152.5(GAA):c.596A>T (p.His199Leu)

Gene: GAA (alpha glucosidase; plus strand). Cytogenetic location: 17q25.3.
Variant type: single nucleotide variant.
Coding change: c.596A>T on transcript NM_000152.5 (MANE Select); coding-DNA position 596, A replaced by T.
Protein change: p.His199Leu; replaces histidine 199 with leucine.
Molecular consequence: missense variant.
Genome position (GRCh38, 1-based): chr17:80,105,798, A>T. VCF-style: chr17-80105798-A-T. GRCh37 (hg19) VCF-style: chr17-78079597-A-T.
Other names: c.596A>T, p.His199Leu (NM_001079803.3, NM_001079804.3, NM_001406741.1 and 1 more transcripts); short protein forms H199L.
Identifiers: ClinVar variation 1954242 (VCV001954242.2), dbSNP rs1042393, ClinGen allele CA401362225.

ClinVar aggregate classification (germline): Uncertain significance (1 of 4 stars; one submission).

Conditions:
Glycogen storage disease, type II (IOPD). Also called: CARDIOMEGALIA GLYCOGENICA DIFFUSA; Glycogen storage disease type 2; Acid maltase deficiency disease; Aglucosidase alfa; POMPE DISEASE, INFANTILE-ONSET; GLYCOGEN STORAGE DISEASE II, INFANTILE-ONSET. Identifiers: Orphanet 365, MedGen C0017921, MONDO:0009290, OMIM 232300.

Submission:

Labcorp Genetics (formerly Invitae), Labcorp
Classification: Uncertain significance for Glycogen storage disease, type II. Last evaluated: 2022-04-01. Review status: criteria provided, single submitter. Criteria: Invitae Variant Classification Sherloc (09022015). Collection method: clinical testing. Allele origin: germline.
Comment: This sequence change replaces histidine, which is basic and polar, with leucine, which is neutral and non-polar, at codon 199 of the GAA protein (p.His199Leu). This variant is not present in population databases (gnomAD no frequency). This variant has not been reported in the literature in individuals affected with GAA-related conditions. Advanced modeling of protein sequence and biophysical properties (such as structural, functional, and spatial information, amino acid conservation, physicochemical variation, residue mobility, and thermodynamic stability) performed at Invitae indicates that this missense variant is not expected to disrupt GAA protein function. In summary, the available evidence is currently insufficient to determine the role of this variant in disease. Therefore, it has been classified as a Variant of Uncertain Significance.